The following is an entry in ClinVar:

NM_015443.4(KANSL1):c.985_995del (p.Leu329fs)

Gene: KANSL1 (KAT8 regulatory NSL complex subunit 1). Cytogenetic location: 17q21.31.
Variant type: Deletion.
Coding change: c.985_995del on transcript NM_015443.4 (MANE Select); coding-DNA positions 985 to 995, 11 bases deleted.
Protein change: p.Leu329fs; shifts the reading frame from leucine 329.
Molecular consequence: frameshift variant.
Genome position: GRCh38 VCF-style: chr17-46171148-CAGTTTGCTCAA-C. GRCh37 (hg19) VCF-style: chr17-44248514-CAGTTTGCTCAA-C.
Other names: c.985_995del, p.Leu329fs (NM_001193465.2, NM_001193466.2, NM_001379198.1); short protein forms L329fs.
Identifiers: ClinVar variation 374269 (VCV000374269.2), dbSNP rs1057518659, ClinGen allele CA16043695.

ClinVar aggregate classification (germline): Likely pathogenic (0 of 4 stars; one submission).

Conditions:
Koolen-de Vries syndrome (KDVS). Identifiers: Orphanet 96169, MedGen C1864871, MONDO:0012496, OMIM 610443.

Submission:

Baylor Genetics
Classification: Likely pathogenic for Koolen-de Vries syndrome. Last evaluated: 2014-09-16. Review status: no assertion criteria provided. Collection method: clinical testing. Allele origin: germline. Inheritance: Autosomal dominant inheritance. Affected: yes. Observed: 1 variant allele, 1 heterozygote.
Comment: Brain MRI showed asymmetric prominent ventricles, possible undermyelination and amygdalo/hippocampal dysgenesis.